The following is an entry in ClinVar:

NM_005732.4(RAD50):c.2602A>G (p.Asn868Asp)

Gene: RAD50 (RAD50 double strand break repair protein; plus strand). Cytogenetic location: 5q31.1.
Variant type: single nucleotide variant.
Coding change: c.2602A>G on transcript NM_005732.4 (MANE Select); coding-DNA position 2602, A replaced by G.
Protein change: p.Asn868Asp; replaces asparagine 868 with aspartic acid.
Molecular consequence: missense variant.
Genome position (GRCh38, 1-based): chr5:132,604,883, A>G. VCF-style: chr5-132604883-A-G. GRCh37 (hg19) VCF-style: chr5-131940575-A-G.
Other names: short protein forms N868D.
Identifiers: ClinVar variation 482099 (VCV000482099.11), dbSNP rs1554099192, ClinGen allele CA360956520.

ClinVar aggregate classification (germline): Uncertain significance. Review status: criteria provided, multiple submitters, no conflicts (2 of 4 stars). 2 submissions from 2 submitters: Uncertain significance (2). Last evaluated 2023-07-19.

Conditions:
Hereditary cancer-predisposing syndrome. Also called: Neoplastic Syndromes, Hereditary; Tumor predisposition; Hereditary Cancer Syndrome; Hereditary neoplastic syndrome. Identifiers: Orphanet 140162, MedGen C0027672, MeSH D009386, MONDO:0015356.

Submissions (2):

Labcorp Genetics (formerly Invitae), Labcorp
Classification: Uncertain significance for Hereditary cancer-predisposing syndrome. Last evaluated: 2023-07-19. Review status: criteria provided, single submitter. Criteria: Invitae Variant Classification Sherloc (09022015). Collection method: clinical testing. Allele origin: germline.
Comment: This sequence change replaces asparagine, which is neutral and polar, with aspartic acid, which is acidic and polar, at codon 868 of the RAD50 protein (p.Asn868Asp). This variant is not present in population databases (gnomAD no frequency). This variant has not been reported in the literature in individuals affected with RAD50-related conditions. ClinVar contains an entry for this variant (Variation ID: 482099). Advanced modeling of protein sequence and biophysical properties (such as structural, functional, and spatial information, amino acid conservation, physicochemical variation, residue mobility, and thermodynamic stability) performed at Invitae indicates that this missense variant is expected to disrupt RAD50 protein function. In summary, the available evidence is currently insufficient to determine the role of this variant in disease. Therefore, it has been classified as a Variant of Uncertain Significance.

Ambry Genetics
Classification: Uncertain significance for Hereditary cancer-predisposing syndrome. Last evaluated: 2023-01-24. Review status: criteria provided, single submitter. Criteria: Ambry Variant Classification Scheme 2023. Collection method: clinical testing. Allele origin: germline.
Comment: The p.N868D variant (also known as c.2602A>G), located in coding exon 16 of the RAD50 gene, results from an A to G substitution at nucleotide position 2602. The asparagine at codon 868 is replaced by aspartic acid, an amino acid with highly similar properties. This amino acid position is highly conserved in available vertebrate species. In addition, this alteration is predicted to be tolerated by in silico analysis. Since supporting evidence is limited at this time, the clinical significance of this alteration remains unclear.